The following is an entry in ClinVar:

ClinVar aggregate classification (germline): Likely benign (0 of 4 stars; one submission).

Conditions:
CFAP57-related disorder. Also called: CFAP57-related condition.

Allele frequency attached by ClinVar (database versions not stated): ESP Exome Variant Server 0.00008; ExAC 0.00013; gnomAD 0.00004; TOPMed 0.00005; gnomAD exomes 0.00011.
gnomAD v4.1: 162 of 1,613,962 alleles (0.01%); highest among the groups gnomAD compares: South Asian, 0.089%; 2 homozygotes.

Submission:

PreventionGenetics, part of Exact Sciences
Classification: Likely benign for CFAP57-related condition. Last evaluated: 2020-01-31. Review status: no assertion criteria provided. Collection method: clinical testing. Allele origin: germline.
Comment: This variant is classified as likely benign based on ACMG/AMP sequence variant interpretation guidelines (Richards et al. 2015 PMID: 25741868, with internal and published modifications).

NM_001378189.1(CFAP57):c.366A>G (p.Leu122=)

Genes: CFAP57 (cilia and flagella associated protein 57; plus strand), EBNA1BP2 (EBNA1 binding protein 2; minus strand), LOC105378685 (uncharacterized LOC105378685; minus strand). Cytogenetic location: 1p34.2.
Variant type: single nucleotide variant.
Coding change: c.366A>G on transcript NM_001378189.1 (MANE Select); coding-DNA position 366, A replaced by G.
Protein change: p.Leu122=; no amino-acid change (leucine 122 retained).
Molecular consequence: synonymous variant.
Genome position (GRCh38, 1-based): chr1:43,181,742, A>G. VCF-style: chr1-43181742-A-G. GRCh37 (hg19) VCF-style: chr1-43647413-A-G.
Other names: c.366A>G, p.Leu122= (NM_001167965.1, NM_001195831.3, NM_152498.3).
Identifiers: ClinVar variation 3051153 (VCV003051153.2), dbSNP rs376782182, ClinGen allele CA804358.